The following is an entry in ClinVar:

NM_002506.3(NGF):c.335C>A (p.Pro112His)

Genes: NGF (nerve growth factor; minus strand), NGF-AS1 (NGF antisense RNA 1; plus strand). Cytogenetic location: 1p13.2.
Variant type: single nucleotide variant.
Coding change: c.335C>A on transcript NM_002506.3 (MANE Select); coding-DNA position 335, C replaced by A.
Protein change: p.Pro112His; replaces proline 112 with histidine.
Molecular consequence: missense variant.
Genome position (GRCh38, 1-based): chr1:115,286,461, G>T on the plus strand (C>A on the coding strand, the complement: NGF is on the minus strand). VCF-style: chr1-115286461-G-T. GRCh37 (hg19) VCF-style: chr1-115829082-G-T.
Other names: short protein forms P112H.
Identifiers: ClinVar variation 848531 (VCV000848531.9), dbSNP rs147763877, ClinGen allele CA1022991.

ClinVar aggregate classification (germline): Uncertain significance (1 of 4 stars; one submission).

Conditions:
Congenital sensory neuropathy with selective loss of small myelinated fibers (HSAN5). Also called: HSAN Type V. Identifiers: Orphanet 64752, MedGen C0020075, MONDO:0012092, OMIM 608654.

Allele frequency attached by ClinVar (database versions not stated): TOPMed 0.00002.
gnomAD v4.1: 10 of 1,613,626 alleles (0.00062%); highest among the groups gnomAD compares: Non-Finnish European, 0.00085%; no homozygotes.

Submission:

Labcorp Genetics (formerly Invitae), Labcorp
Classification: Uncertain significance for Congenital sensory neuropathy with selective loss of small myelinated fibers. Last evaluated: 2019-04-04. Review status: criteria provided, single submitter. Criteria: Invitae Variant Classification Sherloc (09022015). Collection method: clinical testing. Allele origin: germline.
Comment: This sequence change replaces proline with histidine at codon 112 of the NGF protein (p.Pro112His). The proline residue is weakly conserved and there is a moderate physicochemical difference between proline and histidine. This variant is present in population databases (rs147763877, ExAC 0.003%). This variant has not been reported in the literature in individuals with NGF-related conditions. Algorithms developed to predict the effect of missense changes on protein structure and function are either unavailable or do not agree on the potential impact of this missense change (SIFT: "Deleterious"; PolyPhen-2: "Benign"; Align-GVGD: "Class C15"). In summary, the available evidence is currently insufficient to determine the role of this variant in disease. Therefore, it has been classified as a Variant of Uncertain Significance.